The following is an entry in ClinVar:

ClinVar aggregate classification (germline): Pathogenic (1 of 4 stars; one submission).

Conditions:
Tuberous sclerosis 1 (TSC1). Identifiers: Orphanet 805, MedGen C1854465, MONDO:0008612, OMIM 191100.

Submission:

Labcorp Genetics (formerly Invitae), Labcorp
Classification: Pathogenic for Tuberous sclerosis 1. Last evaluated: 2019-01-26. Review status: criteria provided, single submitter. Criteria: Invitae Variant Classification Sherloc (09022015). Collection method: clinical testing. Allele origin: germline.
Comment: This sequence change creates a premature translational stop signal (p.Ile653Glnfs*35) in the TSC1 gene. It is expected to result in an absent or disrupted protein product. This variant is not present in population databases (ExAC no frequency). For these reasons, this variant has been classified as Pathogenic. Loss-of-function variants in TSC1 are known to be pathogenic (PMID: 10227394, 17304050). This variant has not been reported in the literature in individuals with TSC1-related conditions.

Literature cited by the submitters: PubMed 10227394; PubMed 17304050.

NM_000368.5(TSC1):c.1956_1960delinsTCAGGG (p.Ile653fs)

Gene: TSC1 (TSC complex subunit 1; minus strand). Cytogenetic location: 9q34.13.
Variant type: Indel.
Coding change: c.1956_1960delinsTCAGGG on transcript NM_000368.5 (MANE Select); coding-DNA positions 1956 to 1960, GATAC replaced by TCAGGG.
Protein change: p.Ile653fs; shifts the reading frame from isoleucine 653.
Molecular consequence: frameshift variant.
Genome position (GRCh38, 1-based): chr9:132,905,618-132,905,622, GTATC replaced by CCCTGA on the plus strand (GATAC replaced by TCAGGG on the coding strand, the reverse complement: TSC1 is on the minus strand). VCF-style: chr9-132905618-GTATC-CCCTGA. GRCh37 (hg19) VCF-style: chr9-135781005-GTATC-CCCTGA.
Other names: c.1953_1957delinsTCAGGG, p.Ile652fs (NM_001162426.2); c.1803_1807delinsTCAGGG, p.Ile602fs (NM_001162427.2); c.1593_1597delinsTCAGGG, p.Ile532fs (NM_001362177.2); short protein forms I532fs, I652fs, I602fs, I653fs.
Identifiers: ClinVar variation 967983 (VCV000967983.5), dbSNP rs1845607838, ClinGen allele CA1139661276.
Genomic context (GRCh38, chr9:132,905,618, plus strand): 5'-AAGAGAGTGCCCCAGTCCCTTACTTGTTCAGCTCCTTGCTGTGCGCGTCTGCTCCCTGCT[GTATC>CCCTGA]AGTCTGTCCAGCACTTCCATTGGGGAGGTAGAGGGCACACCATCTTCCTCTGTGTTTCCT-3'